The following is an entry in ClinVar:

ClinVar aggregate classification (germline): Uncertain significance (1 of 4 stars; one submission).

Allele frequency attached by ClinVar (database versions not stated): gnomAD exomes below 0.00001.
gnomAD v4.1: 4 of 1,613,834 alleles (0.00025%); highest among the groups gnomAD compares: Admixed American, 0.0017%; no homozygotes.

Submission:

Labcorp Genetics (formerly Invitae), Labcorp
Classification: Uncertain significance. Last evaluated: 2021-09-24. Review status: criteria provided, single submitter. Criteria: Invitae Variant Classification Sherloc (09022015). Collection method: clinical testing. Allele origin: germline.
Comment: This sequence change replaces methionine with threonine at codon 576 of the PLOD3 protein (p.Met576Thr). The methionine residue is moderately conserved and there is a moderate physicochemical difference between methionine and threonine. This variant is not present in population databases (ExAC no frequency). This variant has not been reported in the literature in individuals with PLOD3-related conditions. Algorithms developed to predict the effect of missense changes on protein structure and function are either unavailable or do not agree on the potential impact of this missense change (SIFT: "Deleterious"; PolyPhen-2: "Benign"; Align-GVGD: "Class C0"). In summary, the available evidence is currently insufficient to determine the role of this variant in disease. Therefore, it has been classified as a Variant of Uncertain Significance.

NM_001084.5(PLOD3):c.1727T>C (p.Met576Thr)

Gene: PLOD3 (procollagen-lysine,2-oxoglutarate 5-dioxygenase 3; minus strand). Cytogenetic location: 7q22.1.
Variant type: single nucleotide variant.
Coding change: c.1727T>C on transcript NM_001084.5 (MANE Select); coding-DNA position 1727, T replaced by C.
Protein change: p.Met576Thr; replaces methionine 576 with threonine.
Molecular consequence: missense variant.
Genome position (GRCh38, 1-based): chr7:101,208,914, A>G on the plus strand (T>C on the coding strand, the complement: PLOD3 is on the minus strand). VCF-style: chr7-101208914-A-G. GRCh37 (hg19) VCF-style: chr7-100852195-A-G.
Other names: short protein forms M576T.
Identifiers: ClinVar variation 1398153 (VCV001398153.5), dbSNP rs1479316619, ClinGen allele CA368612553.